The following is an entry in ClinVar:

NM_000501.4(ELN):c.1237G>C (p.Gly413Arg)

Gene: ELN (elastin; plus strand). Cytogenetic location: 7q11.23.
Variant type: single nucleotide variant.
Coding change: c.1237G>C on transcript NM_000501.4 (MANE Select); coding-DNA position 1237, G replaced by C.
Protein change: p.Gly413Arg; replaces glycine 413 with arginine.
Molecular consequence: missense variant.
Genome position (GRCh38, 1-based): chr7:74,056,357, G>C. VCF-style: chr7-74056357-G-C. GRCh37 (hg19) VCF-style: chr7-73470687-G-C.
Other names: c.1207G>C, p.Gly403Arg (NM_001081752.3, NM_001278917.2); c.1252G>C, p.Gly418Arg (NM_001081753.3, NM_001081754.3); c.1237G>C, p.Gly413Arg (NM_001081755.3, NM_001278912.2, NM_001278915.2 and 1 more transcripts); c.1129G>C, p.Ala377Pro (NM_001278913.2); c.1222G>C, p.Gly408Arg (NM_001278914.2); c.1195G>C, p.Gly399Arg (NM_001278916.2); c.1105G>C, p.Ala369Pro (NM_001278918.2); short protein forms A369P, A377P, G399R, G403R, G408R, G413R, G418R.
Identifiers: ClinVar variation 4874656 (VCV004874656.2).

ClinVar aggregate classification (germline): Uncertain significance (1 of 4 stars; one submission).

gnomAD v4.1: 1 of 1,613,642 alleles (0.000062%); highest among the groups gnomAD compares: Admixed American, 0.0017%; no homozygotes.

Submission:

CeGaT Center for Human Genetics Tuebingen
Classification: Uncertain significance. Last evaluated: 2026-04-01. Review status: criteria provided, single submitter. Criteria: CeGaT Center For Human Genetics Tuebingen Variant Classification Criteria Version 2. Collection method: clinical testing. Allele origin: germline. Affected: yes. Observed: 1 variant allele.
Comment: ELN: PM2:Supporting, BP4